The following is an entry in ClinVar:

NM_000256.3(MYBPC3):c.1008C>T (p.Ile336=)

Gene: MYBPC3 (myosin binding protein C3; minus strand). Cytogenetic location: 11p11.2.
Variant type: single nucleotide variant.
Coding change: c.1008C>T on transcript NM_000256.3 (MANE Select); coding-DNA position 1008, C replaced by T.
Protein change: p.Ile336=; no amino-acid change (isoleucine 336 retained).
Molecular consequence: synonymous variant.
Genome position (GRCh38, 1-based): chr11:47,346,289, G>A on the plus strand (C>T on the coding strand, the complement: MYBPC3 is on the minus strand). VCF-style: chr11-47346289-G-A. GRCh37 (hg19) VCF-style: chr11-47367840-G-A.
Identifiers: ClinVar variation 42498 (VCV000042498.25), dbSNP rs397515880, ClinGen allele CA009683.

ClinVar aggregate classification (germline): Conflicting classifications of pathogenicity. Review status: criteria provided, conflicting classifications (1 of 4 stars). 11 submissions from 11 submitters: Uncertain significance (2); Likely benign (7). 2 of the submissions do not count toward it. Last evaluated 2025-08-14.

Conditions:
Cardiovascular phenotype. Identifiers: MedGen CN230736.
Cardiomyopathy (CMYO). Also called: Cardiomyopathies. Identifiers: Orphanet 167848, MedGen C0878544, MONDO:0004994, HP:0001638. Inheritance: Various modes of inheritance.
Hypertrophic cardiomyopathy 4. Also called: Familial hypertrophic cardiomyopathy 4. Identifiers: MedGen C1861862, MONDO:0007268, OMIM 115197.
Hypertrophic cardiomyopathy. Also called: HYPERTROPHIC MYOCARDIOPATHY. Identifiers: Orphanet 217569, MedGen C0007194, MeSH D002312, MONDO:0005045, HP:0001639.

Allele frequency attached by ClinVar (database versions not stated): gnomAD exomes below 0.00001; TOPMed below 0.00001.
gnomAD v4.1: 6 of 1,613,634 alleles (0.00037%); highest among the groups gnomAD compares: East Asian, 0.0022%; no homozygotes.

Submissions (11):

Labcorp Genetics (formerly Invitae), Labcorp
Classification: Likely benign for Hypertrophic cardiomyopathy. Last evaluated: 2025-08-14. Review status: criteria provided, single submitter. Criteria: Invitae Variant Classification Sherloc (09022015). Collection method: clinical testing. Allele origin: germline.

All of Us Research Program, National Institutes of Health
Classification: Uncertain significance for Hypertrophic cardiomyopathy. Last evaluated: 2023-08-15. Review status: criteria provided, single submitter. Criteria: ACMG Guidelines, 2015. Collection method: clinical testing. Allele origin: germline. Inheritance: Autosomal dominant inheritance. Observed: 2 variant alleles, 2 heterozygotes.
Comment: This synonymous variant causes a nucleotide substitution but does not change the encoded amino acid at codon 336 of the MYBPC3 protein. Splice prediction tools are inconclusive regarding the impact of this variant on RNA splicing. To our knowledge, functional studies have not been reported for this variant. This variant has been reported in homozygous state in an individual affected with hypertrophic cardiomyopathy, cryptorchidism, and hypotonia (doi:10.34087/cbusbed.1052808). This variant has not been identified in the general population by the Genome Aggregation Database (gnomAD). The available evidence is insufficient to determine the role of this variant in disease conclusively. Therefore, this variant is classified as a Variant of Uncertain Significance.

This study involves interpretation of variants in research participants for the purpose of population health screening. Participant phenotype was not available at the time of variant classification. Additional details can be found in publication PMID: 35346344, PMCID: PMC8962531

Color Diagnostics, LLC DBA Color Health
Classification: Uncertain significance for Cardiomyopathy. Last evaluated: 2023-07-27. Review status: criteria provided, single submitter. Criteria: ACMG Guidelines, 2015. Collection method: clinical testing. Allele origin: germline.
Comment: This synonymous variant causes a nucleotide substitution but does not change the encoded amino acid at codon 336 of the MYBPC3 protein. Splice prediction tools are inconclusive regarding the impact of this variant on RNA splicing. To our knowledge, functional studies have not been reported for this variant. This variant has been reported in homozygous state in an individual affected with hypertrophic cardiomyopathy, cryptorchidism, and hypotonia (doi:10.34087/cbusbed.1052808). This variant has not been identified in the general population by the Genome Aggregation Database (gnomAD). The available evidence is insufficient to determine the role of this variant in disease conclusively. Therefore, this variant is classified as a Variant of Uncertain Significance.

Ambry Genetics
Classification: Likely benign for Cardiovascular phenotype. Last evaluated: 2021-09-02. Review status: criteria provided, single submitter. Criteria: Ambry Variant Classification Scheme 2023. Collection method: clinical testing. Allele origin: germline.

Blueprint Genetics
Classification: Likely benign. Last evaluated: 2019-10-11. Review status: criteria provided, single submitter. Criteria: ACMG Guidelines, 2015. Collection method: clinical testing. Allele origin: germline.

GeneDx
Classification: Likely benign. Last evaluated: 2018-07-02. Review status: criteria provided, single submitter. Criteria: GeneDx Variant Classification Process June 2021. Collection method: clinical testing. Allele origin: germline. Affected: yes.
Comment: This variant is associated with the following publications: (PMID: 28679633)

CHEO Genetics Diagnostic Laboratory, Children's Hospital of Eastern Ontario
Classification: Likely benign for Cardiomyopathy. Last evaluated: 2016-03-15. Review status: criteria provided, single submitter. Criteria: ACMG Guidelines, 2015. Collection method: clinical testing. Allele origin: germline. Study: Canadian Open Genetics Repository.

Clinical Genetics DNA and cytogenetics Diagnostics Lab, Erasmus MC, Erasmus Medical Center
Classification: Likely benign for Hypertrophic cardiomyopathy 4. Last evaluated: 2015-09-21. Review status: criteria provided, single submitter. Criteria: ACGS Guidelines, 2013. Collection method: clinical testing. Allele origin: germline. Affected: yes. Study: VKGL Data-share Consensus.

Laboratory for Molecular Medicine, Mass General Brigham Personalized Medicine
Classification: Likely benign. Last evaluated: 2012-11-15. Review status: criteria provided, single submitter. Criteria: LMM Criteria. Collection method: clinical testing. Allele origin: germline. Observed: 1 variant allele.
Comment: Ile336Ile in exon 12 of MYBPC3: This variant is not expected to have clinical si gnificance because it does not alter an amino acid residue and is not located wi thin the splice consensus sequence. Ile336Ile in exon 12 of MYBPC3 (allele fre quency = n/a)

Diagnostic Laboratory, Department of Genetics, University Medical Center Groningen
Classification: Likely benign for Hypertrophic cardiomyopathy 4. Review status: no assertion criteria provided. Collection method: clinical testing. Allele origin: germline. Affected: yes. Study: VKGL Data-share Consensus. Not counted in ClinVar's aggregate classification.

Joint Genome Diagnostic Labs from Nijmegen and Maastricht, Radboudumc and MUMC+
Classification: Likely benign. Review status: no assertion criteria provided. Collection method: clinical testing. Allele origin: germline. Affected: yes. Study: VKGL Data-share Consensus. Not counted in ClinVar's aggregate classification.